The following is an entry in ClinVar:

NM_024685.4(BBS10):c.946C>G (p.Pro316Ala)

Gene: BBS10 (Bardet-Biedl syndrome 10; minus strand). Cytogenetic location: 12q21.2.
Variant type: single nucleotide variant.
Coding change: c.946C>G on transcript NM_024685.4 (MANE Select); coding-DNA position 946, C replaced by G.
Protein change: p.Pro316Ala; replaces proline 316 with alanine.
Molecular consequence: missense variant.
Genome position (GRCh38, 1-based): chr12:76,347,039, G>C on the plus strand (C>G on the coding strand, the complement: BBS10 is on the minus strand). VCF-style: chr12-76347039-G-C. GRCh37 (hg19) VCF-style: chr12-76740819-G-C.
Other names: short protein forms P316A.
Identifiers: ClinVar variation 1384612 (VCV001384612.8), dbSNP rs2136090741, ClinGen allele CA385813490.

ClinVar aggregate classification (germline): Uncertain significance (1 of 4 stars; one submission).

Conditions:
Bardet-Biedl syndrome (BBS). Identifiers: Orphanet 110, MedGen C0752166, MONDO:0015229.

Submission:

Labcorp Genetics (formerly Invitae), Labcorp
Classification: Uncertain significance for Bardet-Biedl syndrome. Last evaluated: 2022-10-24. Review status: criteria provided, single submitter. Criteria: Invitae Variant Classification Sherloc (09022015). Collection method: clinical testing. Allele origin: germline.
Comment: This variant has not been reported in the literature in individuals affected with BBS10-related conditions. This variant is not present in population databases (gnomAD no frequency). This sequence change replaces proline, which is neutral and non-polar, with alanine, which is neutral and non-polar, at codon 316 of the BBS10 protein (p.Pro316Ala). ClinVar contains an entry for this variant (Variation ID: 1384612). In summary, the available evidence is currently insufficient to determine the role of this variant in disease. Therefore, it has been classified as a Variant of Uncertain Significance. Algorithms developed to predict the effect of missense changes on protein structure and function (SIFT, PolyPhen-2, Align-GVGD) all suggest that this variant is likely to be tolerated.